The following is an entry in ClinVar:

ClinVar aggregate classification (germline): Uncertain significance (1 of 4 stars; one submission).

Conditions:
Colorectal cancer, hereditary nonpolyposis, type 7. Identifiers: Orphanet 144, MedGen C1858380, MONDO:0013725, OMIM 614385.

gnomAD v4.1: 1 of 1,612,770 alleles (0.000062%); highest among the groups gnomAD compares: Non-Finnish European, 0.000085%; no homozygotes.

Submission:

Labcorp Genetics (formerly Invitae), Labcorp
Classification: Uncertain significance for Colorectal cancer, hereditary nonpolyposis, type 7. Last evaluated: 2019-11-29. Review status: criteria provided, single submitter. Criteria: Invitae Variant Classification Sherloc (09022015). Collection method: clinical testing. Allele origin: germline.
Comment: In summary, the available evidence is currently insufficient to determine the role of this variant in disease. Therefore, it has been classified as a Variant of Uncertain Significance. Algorithms developed to predict the effect of missense changes on protein structure and function (SIFT, PolyPhen-2, Align-GVGD) all suggest that this variant is likely to be tolerated, but these predictions have not been confirmed by published functional studies and their clinical significance is uncertain. This variant has not been reported in the literature in individuals with MLH3-related conditions. This variant is not present in population databases (ExAC no frequency). This sequence change replaces arginine with leucine at codon 1430 of the MLH3 protein (p.Arg1430Leu). The arginine residue is weakly conserved and there is a moderate physicochemical difference between arginine and leucine.

NM_001040108.2(MLH3):c.4289G>T (p.Arg1430Leu)

Gene: MLH3 (mutL homolog 3; minus strand). Cytogenetic location: 14q24.3.
Variant type: single nucleotide variant.
Coding change: c.4289G>T on transcript NM_001040108.2 (MANE Select); coding-DNA position 4289, G replaced by T.
Protein change: p.Arg1430Leu; replaces arginine 1430 with leucine.
Molecular consequence: missense variant.
Genome position (GRCh38, 1-based): chr14:75,017,155, C>A on the plus strand (G>T on the coding strand, the complement: MLH3 is on the minus strand). VCF-style: chr14-75017155-C-A. GRCh37 (hg19) VCF-style: chr14-75483858-C-A.
Other names: c.4217G>T, p.Arg1406Leu (NM_014381.3); short protein forms R1430L, R1406L.
Identifiers: ClinVar variation 858333 (VCV000858333.9), dbSNP rs760305520, ClinGen allele CA390417954.